The following is an entry in ClinVar:

ClinVar aggregate classification (germline): Uncertain significance (1 of 4 stars; one submission).

Conditions:
Cardiovascular phenotype. Identifiers: MedGen CN230736.

Allele frequency attached by ClinVar (database versions not stated): gnomAD exomes below 0.00001.
gnomAD v4.1: 1 of 1,612,582 alleles (0.000062%); highest among the groups gnomAD compares: South Asian, 0.0011%; no homozygotes.

Submission:

Ambry Genetics
Classification: Uncertain significance for Cardiovascular phenotype. Last evaluated: 2019-12-04. Review status: criteria provided, single submitter. Criteria: Ambry Variant Classification Scheme 2023. Collection method: clinical testing. Allele origin: germline.
Comment: The p.M24024I variant (also known as c.72072G>A), located in coding exon 181 of the TTN gene, results from a G to A substitution at nucleotide position 72072. The methionine at codon 24024 is replaced by isoleucine, an amino acid with highly similar properties. This amino acid position is well conserved in available vertebrate species. In addition, this alteration is predicted to be tolerated by in silico analysis. Since supporting evidence is limited at this time, the clinical significance of this alteration remains unclear.

NM_001267550.2(TTN):c.99267G>A (p.Met33089Ile)

Genes: TTN (titin; minus strand), TTN-AS1 (TTN antisense RNA 1; plus strand). Cytogenetic location: 2q31.2.
Variant type: single nucleotide variant.
Coding change: c.99267G>A on transcript NM_001267550.2 (MANE Select); coding-DNA position 99267, G replaced by A.
Protein change: p.Met33089Ile; replaces methionine 33089 with isoleucine.
Molecular consequence: missense variant.
Genome position (GRCh38, 1-based): chr2:178,538,562, C>T on the plus strand (G>A on the coding strand, the complement: TTN is on the minus strand). VCF-style: chr2-178538562-C-T. GRCh37 (hg19) VCF-style: chr2-179403289-C-T.
Other names: c.94344G>A, p.Met31448Ile (NM_001256850.1); c.72072G>A, p.Met24024Ile (NM_003319.4); c.91563G>A, p.Met30521Ile (NM_133378.4); c.72447G>A, p.Met24149Ile (NM_133432.3); c.72648G>A, p.Met24216Ile (NM_133437.4); short protein forms M30521I, M31448I, M24024I, M33089I, M24149I, M24216I.
Identifiers: ClinVar variation 1757690 (VCV001757690.2), dbSNP rs2468727158, ClinGen allele CA349430586.